The following is an entry in ClinVar:

ClinVar aggregate classification (germline): Uncertain significance. Review status: criteria provided, single submitter (1 of 4 stars). 2 submissions from 2 submitters: Uncertain significance (1). 1 of the submissions does not count toward it. Last evaluated 2024-12-28.

Conditions:
Inborn genetic diseases. Identifiers: MedGen C0950123, MeSH D030342.

Allele frequency attached by ClinVar (database versions not stated): gnomAD 0.00001; gnomAD exomes 0.00001 and 0.00002.
gnomAD v4.1: 6 of 1,073,723 alleles (0.00056%); highest among the groups gnomAD compares: Middle Eastern, 0.035%; no homozygotes.

Submissions (2):

Ambry Genetics
Classification: Uncertain significance for Inborn genetic diseases. Last evaluated: 2024-12-28. Review status: criteria provided, single submitter. Criteria: Ambry Variant Classification Scheme 2023. Collection method: clinical testing. Allele origin: germline.

Department of Pathology and Laboratory Medicine, Sinai Health System
Classification: Uncertain significance. Review status: no assertion criteria provided. Collection method: clinical testing. Allele origin: unknown. Affected: yes. Study: The Canadian Open Genetics Repository (COGR). Not counted in ClinVar's aggregate classification.
Comment: The NHS p.Glu94Val variant was not identified in the literature nor was it identified in ClinVar, Cosmic or LOVD 3.0. The variant was identified in dbSNP (ID: rs1433853793) and in control databases in 2 of 61777 chromosomes at a frequency of 0.000032 (Genome Aggregation Database Feb 27, 2017). The variant was observed in the European (non-Finnish) population in 2 of 25957 chromosomes (freq: 0.000077), while the variant was not observed in the African, Latino, Ashkenazi Jewish, East Asian, European (Finnish), Other or South Asian populations. The p.Glu94 residue is conserved across mammals and other organisms however four out of five computational analyses (PolyPhen-2, SIFT, AlignGVGD, MutationTaster) do not suggest a high likelihood of impact to the protein; this information is not predictive enough to rule out pathogenicity. The variant occurs outside of the splicing consensus sequence however 4 of 4 in silico or computational prediction software programs (SpliceSiteFinder, MaxEntScan, NNSPLICE, GeneSplicer) predict a greater than 10% difference in splicing and the creation of a new 5' splice site. However, this information is not predictive enough to assume pathogenicity. In summary, based on the above information, the clinical significance of this variant cannot be determined with certainty at this time. This variant is classified as a variant of uncertain significance.

NM_001291867.2(NHS):c.281A>T (p.Glu94Val)

Gene: NHS (NHS actin remodeling regulator; plus strand). Cytogenetic location: Xp22.2.
Variant type: single nucleotide variant.
Coding change: c.281A>T on transcript NM_001291867.2 (MANE Select); coding-DNA position 281, A replaced by T.
Protein change: p.Glu94Val; replaces glutamic acid 94 with valine.
Molecular consequence: missense variant.
Genome position (GRCh38, 1-based): chrX:17,376,038, A>T. VCF-style: chrX-17376038-A-T. GRCh37 (hg19) VCF-style: chrX-17394161-A-T.
Other names: c.281A>T, p.Glu94Val (NM_198270.4); c.281A>T (NM_198270.2); short protein forms E94V.
Identifiers: ClinVar variation 1049074 (VCV001049074.2), dbSNP rs1433853793, ClinGen allele CA412484420.